The following is an entry in ClinVar:

ClinVar aggregate classification (germline): Uncertain significance. Review status: criteria provided, multiple submitters, no conflicts (2 of 4 stars). 2 submissions from 2 submitters: Uncertain significance (2). Last evaluated 2025-11-25.

Allele frequency attached by ClinVar (database versions not stated): gnomAD exomes 0.00004; ExAC 0.00007; 1000 Genomes Project 30x 0.00016; ESP Exome Variant Server 0.00016; 1000 Genomes Project 0.00020; gnomAD 0.00040; TOPMed 0.00042.
gnomAD v4.1: 121 of 1,613,944 alleles (0.0075%); highest among the groups gnomAD compares: African/African-American, 0.16%; no homozygotes.

Submissions (2):

Labcorp Genetics (formerly Invitae), Labcorp
Classification: Uncertain significance. Last evaluated: 2025-11-25. Review status: criteria provided, single submitter. Criteria: Invitae Variant Classification Sherloc (09022015). Collection method: clinical testing. Allele origin: germline.
Comment: This sequence change replaces leucine, which is neutral and non-polar, with serine, which is neutral and polar, at codon 1458 of the NYNRIN protein (p.Leu1458Ser). This variant is present in population databases (rs143110133, gnomAD 0.1%), and has an allele count higher than expected for a pathogenic variant. This variant has not been reported in the literature in individuals affected with NYNRIN-related conditions. ClinVar contains an entry for this variant (Variation ID: 2716192). Experimental studies and prediction algorithms are not available or were not evaluated, and the functional significance of this variant is currently unknown. In summary, the available evidence is currently insufficient to determine the role of this variant in disease. Therefore, it has been classified as a Variant of Uncertain Significance.

Ambry Genetics
Classification: Uncertain significance. Last evaluated: 2021-08-13. Review status: criteria provided, single submitter. Criteria: Ambry Variant Classification Scheme 2023. Collection method: clinical testing. Allele origin: germline.

NM_025081.3(NYNRIN):c.4373T>C (p.Leu1458Ser)

Gene: NYNRIN (NYN domain and retroviral integrase containing; plus strand). Cytogenetic location: 14q12.
Variant type: single nucleotide variant.
Coding change: c.4373T>C on transcript NM_025081.3 (MANE Select); coding-DNA position 4373, T replaced by C.
Protein change: p.Leu1458Ser; replaces leucine 1458 with serine.
Molecular consequence: missense variant.
Genome position (GRCh38, 1-based): chr14:24,416,122, T>C. VCF-style: chr14-24416122-T-C. GRCh37 (hg19) VCF-style: chr14-24885328-T-C.
Other names: c.4373T>C (NM_025081.2); short protein forms L1458S.
Identifiers: ClinVar variation 2716192 (VCV002716192.4), dbSNP rs143110133, ClinGen allele CA7137405.